The following is an entry in ClinVar:

NM_001042492.3(NF1):c.6925del (p.Ser2309fs)

Gene: NF1 (neurofibromin 1; plus strand). Cytogenetic location: 17q11.2.
Variant type: Deletion.
Coding change: c.6925del on transcript NM_001042492.3 (MANE Select); coding-DNA position 6925, one base deleted (T; older notation c.6925delT).
Protein change: p.Ser2309fs; shifts the reading frame from serine 2309.
Molecular consequence: frameshift variant.
Genome position (GRCh38, 1-based): chr17:31,340,508, T deleted. VCF-style (leftmost placement, unchanged base first): chr17-31340507-CT-C. GRCh37 (hg19) VCF-style: chr17-29667525-CT-C.
Other names: c.6862delT, p.Ser2288Argfs (NM_000267.3); c.6862del, p.Ser2288fs (NM_000267.4); short protein forms S2288fs, S2309fs.
Identifiers: ClinVar variation 5043467 (VCV005043467.1).
Genomic context (GRCh38, chr17:31,340,507, plus strand): 5'-TTGAAAGAGACTATGTCATGATTCATCTTACTAGCCTCAAACATATCTTCTTTGCCAGGA[CT>C]CGCCTCTGCACAAAGCCCTCTTTTGGGTAGCTGTGGCTGTGCTGCAGCTTGATGAGGTCA-3'

ClinVar aggregate classification (germline): Pathogenic (1 of 4 stars; one submission).

Conditions:
Neurofibromatosis, type 1 (NF1). Also called: VON RECKLINGHAUSEN DISEASE; NEUROFIBROMATOSIS, TYPE I, SOMATIC; Peripheral type neurofibromatosis; Neurofibromatosis, type I. Identifiers: Orphanet 636, MedGen C0027831, MONDO:0018975, OMIM 162200. Disease mechanism: loss of function.

Submission:

MVZ Martinsried, Medicover Genetics
Classification: Pathogenic for Neurofibromatosis, type 1. Last evaluated: 2026-08-04. Review status: criteria provided, single submitter. Criteria: ClinGen Variant Curation SOP V3.2 + Classification Guidance July2025. Collection method: clinical testing. Allele origin: unknown. Affected: yes. Observed: 1 heterozygote.
Comment: PVS1, PP1_Moderate, PM2_Supporting